The following is an entry in ClinVar:

NM_024685.4(BBS10):c.482_497del (p.Lys161fs)

Gene: BBS10 (Bardet-Biedl syndrome 10; minus strand). Cytogenetic location: 12q21.2.
Variant type: Deletion.
Coding change: c.482_497del on transcript NM_024685.4 (MANE Select); coding-DNA positions 482 to 497, 16 bases deleted (AAGAGAGAACATTGTG).
Protein change: p.Lys161fs; shifts the reading frame from lysine 161.
Molecular consequence: frameshift variant.
Genome position (GRCh38, 1-based): chr12:76,347,488-76,347,503, CACAATGTTCTCTCTT deleted on the plus strand (AAGAGAGAACATTGTG on the coding strand, the reverse complement: BBS10 is on the minus strand). VCF-style (leftmost placement, unchanged base first): chr12-76347487-ACACAATGTTCTCTCTT-A. GRCh37 (hg19) VCF-style: chr12-76741267-ACACAATGTTCTCTCTT-A.
Other names: short protein forms K161fs.
Identifiers: ClinVar variation 2199615 (VCV002199615.4), dbSNP rs2540956787, ClinGen allele CA2575230732.
Genomic context (GRCh38, chr12:76,347,487, plus strand): 5'-ATTATTTCTTCCCACTCTTCCACAAAAGTATGCTTCTAAGAGCAACTCTAAAGAGCTCCT[ACACAATGTTCTCTCTT>A]TAGCAGACGAAAAGATAGACAAAAAGTGTCTACTTAGGTACTGGTCCATAATACCGTCTA-3'

ClinVar aggregate classification (germline): Pathogenic (1 of 4 stars; one submission).

Conditions:
Bardet-Biedl syndrome (BBS). Identifiers: Orphanet 110, MedGen C0752166, MONDO:0015229.

Allele frequency attached by ClinVar (database versions not stated): gnomAD exomes below 0.00001.

Submission:

Labcorp Genetics (formerly Invitae), Labcorp
Classification: Pathogenic for Bardet-Biedl syndrome. Last evaluated: 2022-02-22. Review status: criteria provided, single submitter. Criteria: Invitae Variant Classification Sherloc (09022015). Collection method: clinical testing. Allele origin: germline.
Comment: For these reasons, this variant has been classified as Pathogenic. This variant disrupts a region of the BBS10 protein in which other variant(s) (p.Val707*) have been determined to be pathogenic (PMID: 20472660, 22773737, 25982971, 27486776). This suggests that this is a clinically significant region of the protein, and that variants that disrupt it are likely to be disease-causing. This variant has not been reported in the literature in individuals affected with BBS10-related conditions. This variant is not present in population databases (gnomAD no frequency). This sequence change creates a premature translational stop signal (p.Lys161Ilefs*5) in the BBS10 gene. While this is not anticipated to result in nonsense mediated decay, it is expected to disrupt the last 563 amino acid(s) of the BBS10 protein.

Literature cited by the submitters: PubMed 20472660; PubMed 22773737; PubMed 25982971; PubMed 27486776.